The following is an entry in ClinVar:

ClinVar aggregate classification (germline): Uncertain significance (1 of 4 stars; one submission).

Conditions:
Growth hormone insensitivity with immune dysregulation 1, autosomal recessive. Also called: GROWTH HORMONE INSENSITIVITY DUE TO POSTRECEPTOR DEFECT; LARON SYNDROME DUE TO POSTRECEPTOR DEFECT; GROWTH HORMONE INSENSITIVITY SYNDROME WITH IMMUNE DYSREGULATION 1, AUTOSOMAL RECESSIVE; Laron syndrome with immunodeficiency. Identifiers: Orphanet 220465, MedGen C5435698, MONDO:0100211, OMIM 245590.

gnomAD v4.1: 2 of 1,614,114 alleles (0.00012%); highest among the groups gnomAD compares: South Asian, 0.0011%; no homozygotes.

Submission:

Labcorp Genetics (formerly Invitae), Labcorp
Classification: Uncertain significance for Growth hormone insensitivity with immune dysregulation 1, autosomal recessive. Last evaluated: 2025-05-25. Review status: criteria provided, single submitter. Criteria: Invitae Variant Classification Sherloc (09022015). Collection method: clinical testing. Allele origin: germline.
Comment: This sequence change replaces arginine, which is basic and polar, with glutamine, which is neutral and polar, at codon 566 of the STAT5B protein (p.Arg566Gln). This variant is not present in population databases (gnomAD no frequency). This variant has not been reported in the literature in individuals affected with STAT5B-related conditions. Invitae Evidence Modeling of protein sequence and biophysical properties (such as structural, functional, and spatial information, amino acid conservation, physicochemical variation, residue mobility, and thermodynamic stability) indicates that this missense variant is not expected to disrupt STAT5B protein function with a negative predictive value of 80%. In summary, the available evidence is currently insufficient to determine the role of this variant in disease. Therefore, it has been classified as a Variant of Uncertain Significance.

NM_012448.4(STAT5B):c.1697G>A (p.Arg566Gln)

Gene: STAT5B (signal transducer and activator of transcription 5B; minus strand). Cytogenetic location: 17q21.2.
Variant type: single nucleotide variant.
Coding change: c.1697G>A on transcript NM_012448.4 (MANE Select); coding-DNA position 1697, G replaced by A.
Protein change: p.Arg566Gln; replaces arginine 566 with glutamine.
Molecular consequence: missense variant.
Genome position (GRCh38, 1-based): chr17:42,210,481, C>T on the plus strand (G>A on the coding strand, the complement: STAT5B is on the minus strand). VCF-style: chr17-42210481-C-T. GRCh37 (hg19) VCF-style: chr17-40362499-C-T.
Other names: short protein forms R566Q.
Identifiers: ClinVar variation 4723556 (VCV004723556.1).
Genomic context (GRCh38, chr17:42,210,481, plus strand): 5'-TTGAGATGTTTTTTTAACACTTCCATCACACCGTCAAACCATTGCCAGAAAGTGTAATTC[C>T]GTCCTGGTAAATTCTCCTGGTTGGAGATACAACAGTGAACATAAGAACACCAGAGTAACA-3'
Protein context (NP_036580.2, residues 556-576): SQFNRENLPG[Arg566Gln]NYTFWQWFDG